The following is an entry in ClinVar:

ClinVar aggregate classification (germline): Uncertain significance (1 of 4 stars; one submission).

Conditions:
Hereditary cancer-predisposing syndrome. Also called: Neoplastic Syndromes, Hereditary; Tumor predisposition; Hereditary neoplastic syndrome; Hereditary Cancer Syndrome. Identifiers: Orphanet 140162, MedGen C0027672, MeSH D009386, MONDO:0015356.

Submission:

Ambry Genetics
Classification: Uncertain significance for Hereditary cancer-predisposing syndrome. Last evaluated: 2026-07-06. Review status: criteria provided, single submitter. Criteria: Ambry Variant Classification Scheme 2023. Collection method: clinical testing. Allele origin: germline.
Comment: The p.S990G variant (also known as c.2968A>G), located in coding exon 19 of the BRIP1 gene, results from an A to G substitution at nucleotide position 2968. The serine at codon 990 is replaced by glycine, an amino acid with similar properties. This amino acid position is conserved. In addition, this alteration is predicted to be tolerated by in silico analysis. Based on the available evidence, the clinical significance of this variant remains unclear.

NM_032043.3(BRIP1):c.2968A>G (p.Ser990Gly)

Gene: BRIP1 (BRCA1 interacting DNA helicase 1; minus strand). Cytogenetic location: 17q23.2.
Variant type: single nucleotide variant.
Coding change: c.2968A>G on transcript NM_032043.3 (MANE Select); coding-DNA position 2968, A replaced by G.
Protein change: p.Ser990Gly; replaces serine 990 with glycine.
Molecular consequence: missense variant.
Genome position (GRCh38, 1-based): chr17:61,684,078, T>C on the plus strand (A>G on the coding strand, the complement: BRIP1 is on the minus strand). VCF-style: chr17-61684078-T-C. GRCh37 (hg19) VCF-style: chr17-59761439-T-C.
Other names: short protein forms S990G.
Identifiers: ClinVar variation 5033405 (VCV005033405.1).
Genomic context (GRCh38, chr17:61,684,078, plus strand): 5'-GTCCCAAAGAATTAAAGCTTGACCAGCTAACTCTCTTTGTTTGTTTGTTGAAAGTTGGGC[T>C]TGTGGATCTGGAAATCACAATTTTTTCTGCTTTCCCTGCTTCTTCCAGGAATACTGGATC-3'
Protein context (NP_114432.2, residues 980-1000): AEKIVISRST[Ser990Gly]PTFNKQTKRV